The following is an entry in ClinVar:

ClinVar aggregate classification (germline): Conflicting classifications of pathogenicity. Review status: criteria provided, conflicting classifications (1 of 4 stars). 14 submissions from 13 submitters: Uncertain significance (11); Likely benign (1). 2 of the submissions do not count toward it. Last evaluated 2026-04-04.

Conditions:
Familial ovarian cancer. Identifiers: MedGen C5679802, MONDO:0016248.
BRIP1-related disorder. Also called: BRIP1-related condition; BRIP1-related disorders. Identifiers: MedGen CN239206.
Hereditary cancer-predisposing syndrome. Also called: Neoplastic Syndromes, Hereditary; Tumor predisposition; Hereditary Cancer Syndrome; Hereditary neoplastic syndrome. Identifiers: Orphanet 140162, MedGen C0027672, MeSH D009386, MONDO:0015356.
Fanconi anemia complementation group J. Also called: BRIP1-Related Fanconi Anemia. Identifiers: Orphanet 84, MedGen C1836860, MONDO:0012187, OMIM 609054.
Familial cancer of breast. Also called: hereditary breast carcinoma; BREAST CANCER, FAMILIAL; Hereditary breast cancer. Identifiers: Orphanet 227535, MedGen C0346153, MONDO:0016419, OMIM 114480. Disease mechanism: loss of function.
Ovarian cancer. Also called: OVARIAN CANCER, SOMATIC. Identifiers: Orphanet 213500, MedGen C1140680, MONDO:0008170, OMIM 167000.

Allele frequency attached by ClinVar (database versions not stated): gnomAD below 0.00001 and 0.00001; gnomAD exomes 0.00003 and 0.00007; ExAC 0.00007.
gnomAD v4.1: 48 of 1,612,086 alleles (0.003%); highest among the groups gnomAD compares: South Asian, 0.053%; no homozygotes.

Submissions (14):

PreventionGenetics, part of Exact Sciences
Classification: Uncertain significance for BRIP1-related condition. Last evaluated: 2026-04-04. Review status: criteria provided, single submitter. Criteria: ACMG Guidelines, 2015. Collection method: clinical testing. Allele origin: germline.
Comment: The BRIP1 c.3431A>G variant is predicted to result in the amino acid substitution p.Glu1144Gly. This variant has been reported in a study of individuals with pancreatic ductal adenocarcinoma (Supplementary Table 3, Cremin et al. 2020. PubMed ID: 32255556). This variant is reported in 0.056% of alleles in individuals of South Asian descent in gnomAD and has conflicting interpretations in ClinVar, ranging from uncertain to likely benign (Variation ID: 219832). At this time, the clinical significance of this variant is uncertain due to the absence of conclusive functional and genetic evidence.

Labcorp Genetics (formerly Invitae), Labcorp
Classification: Uncertain significance for Familial cancer of breast; Fanconi anemia complementation group J. Last evaluated: 2025-09-27. Review status: criteria provided, single submitter. Criteria: Invitae Variant Classification Sherloc (09022015). Collection method: clinical testing. Allele origin: germline.
Comment: This sequence change replaces glutamic acid, which is acidic and polar, with glycine, which is neutral and non-polar, at codon 1144 of the BRIP1 protein (p.Glu1144Gly). This variant is present in population databases (rs774605759, gnomAD 0.05%). This missense change has been observed in individual(s) with pancreatic cancer and/or personal and/or family history of breast and/or ovarian cancer (PMID: 32255556, 33552952). ClinVar contains an entry for this variant (Variation ID: 219832). Invitae Evidence Modeling of protein sequence and biophysical properties (such as structural, functional, and spatial information, amino acid conservation, physicochemical variation, residue mobility, and thermodynamic stability) indicates that this missense variant is not expected to disrupt BRIP1 protein function with a negative predictive value of 95%. In summary, the available evidence is currently insufficient to determine the role of this variant in disease. Therefore, it has been classified as a Variant of Uncertain Significance.

Quest Diagnostics Nichols Institute San Juan Capistrano
Classification: Uncertain significance. Last evaluated: 2025-06-10. Review status: criteria provided, single submitter. Criteria: Quest Diagnostics criteria. Collection method: clinical testing. Allele origin: unknown.
Comment: The BRIP1 c.3431A>G (p.Glu1144Gly) variant has been reported in the published literature in individuals with breast cancer (PMID: 33552952 (2020)) and pancreatic cancer (PMID: 32255556 (2020)). The frequency of this variant in the general population (Genome Aggregation Database) is higher than would generally be expected for pathogenic variants in this gene. Analysis of this variant using bioinformatics tools for the prediction of the effect of amino acid changes on protein structure and function yielded predictions that this variant is benign. Based on the available information, we are unable to determine the clinical significance of this variant.

Department of Pathology and Laboratory Medicine, Sinai Health System
Classification: Uncertain significance for familial ovarian cancer. Last evaluated: 2024-08-27. Review status: criteria provided, single submitter. Criteria: ACMG Guidelines, 2015. Collection method: clinical testing. Allele origin: germline.

Baylor Genetics
Classification: Uncertain significance for Familial cancer of breast. Last evaluated: 2024-03-30. Review status: criteria provided, single submitter. Criteria: ACMG Guidelines, 2015. Collection method: clinical testing. Allele origin: unknown.

GeneDx
Classification: Uncertain significance. Last evaluated: 2023-10-27. Review status: criteria provided, single submitter. Criteria: GeneDx Variant Classification Process June 2021. Collection method: clinical testing. Allele origin: germline.
Comment: In silico analysis supports that this missense variant does not alter protein structure/function; Observed in individuals with a personal and/or family history of breast, ovarian, and/or pancreatic cancer (PMID: 32255556, 33552952); This variant is associated with the following publications: (PMID: 32255556, 33552952, 20159562, 21127055)

Blueprint Genetics
Classification: Uncertain significance. Last evaluated: 2023-09-22. Review status: criteria provided, single submitter. Criteria: ACMG Guidelines, 2015. Collection method: clinical testing. Allele origin: germline.

Neuberg Centre For Genomic Medicine, NCGM
Classification: Uncertain significance for Familial cancer of breast. Last evaluated: 2023-05-20. Review status: criteria provided, single submitter. Criteria: ACMG Guidelines, 2015. Collection method: clinical testing. Allele origin: germline. Inheritance: Autosomal dominant inheritance. Affected: yes.
Comment: The missense variant c.3431A>G (p.Glu1144Gly) in the BRIP1 gene has been reported previously in an individual affected with Hereditary Breast and Ovarian Cancer (Kadri et al., 2021). This variant is reported with the allele frequency (0.006%) in the gnomAD Exomes. This variant has been reported to the ClinVar database as Uncertain Significance/ Likely benign. However, study on multiple affected individuals and functional impact of the variant is not available. The amino acid Glutamic acid at position 1144 is changed to a Glycine changing protein sequence and it might alter its composition and physico- chemical properties. Multiple lines of computational evidence (Polyphen - Probably damaging, SIFT - Damaging) predict a damaging effect on protein structure and function for this variant. The amino acid change p.Glu1144Gly in BRIP1 is predicted as conserved by GERP++ and PhyloP across 100 vertebrates. Additional literature and functional evidence will be required to prove the pathogenicity of this variant. For these reasons, this variant has been classified as Uncertain Significance.

Myriad Genetics, Inc.
Classification: Uncertain significance for Familial cancer of breast. Last evaluated: 2023-02-28. Review status: criteria provided, single submitter. Criteria: Myriad Autosomal Dominant, Autosomal Recessive and X-Linked Classification Criteria (2023). Collection method: clinical testing. Allele origin: unknown.
Comment: This variant is classified as a variant of uncertain significance as there is insufficient evidence to determine its impact on protein function and/or cancer risk.

Color Diagnostics, LLC DBA Color Health
Classification: Uncertain significance for Hereditary cancer-predisposing syndrome. Last evaluated: 2023-01-09. Review status: criteria provided, single submitter. Criteria: ACMG Guidelines, 2015. Collection method: clinical testing. Allele origin: germline.
Comment: This missense variant replaces glutamic acid with glycine at codon 1144 of the BRIP1 protein. Computational prediction suggests that this variant may not impact protein structure and function (internally defined REVEL score threshold <= 0.5, PMID: 27666373). To our knowledge, functional studies have not been reported for this variant. This variant has not been reported in individuals affected with BRIP1-related disorders in the literature. This variant has been identified in 17/249748 chromosomes in the general population by the Genome Aggregation Database (gnomAD). The available evidence is insufficient to determine the role of this variant in disease conclusively. Therefore, this variant is classified as a Variant of Uncertain Significance.

Ambry Genetics
Classification: Likely benign for Hereditary cancer-predisposing syndrome. Last evaluated: 2021-07-22. Review status: criteria provided, single submitter. Criteria: Ambry Variant Classification Scheme 2023. Collection method: clinical testing. Allele origin: germline.

Sema4
Classification: Uncertain significance for Hereditary cancer-predisposing syndrome. Last evaluated: 2021-05-17. Review status: criteria provided, single submitter. Criteria: Sema4 Curation Guidelines. Collection method: curation. Allele origin: germline.
Comment: The BRIP1 c.3431A>G (p.E1144G) variant has been reported in heterozygosity in at least one individual with pancreatic ductal adenocarcinoma and at least one individual with breast cancer (PMID: 32255556, 33552952). It was observed in 17/30582 chromosomes in the South Asian subpopulation in the large and broad cohorts of the Genome Aggregation Database (PMID: 32461654). The variant has been reported in ClinVar (Variation ID: 219832). In silico tools suggest the impact of the variant on protein function is inconclusive, though these predictions have not been confirmed by functional studies. The evidence is insufficient to meet ACMG/AMP criteria for classifying the variant as benign or pathogenic. Thus, the clinical significance of this variant is currently uncertain.

Counsyl
Classification: Uncertain significance for Fanconi anemia complementation group J. Last evaluated: 2016-11-11. Review status: no assertion criteria provided. Collection method: clinical testing. Allele origin: unknown. Not counted in ClinVar's aggregate classification.

Counsyl
Classification: Uncertain significance for Ovarian cancer. Last evaluated: 2016-11-11. Review status: no assertion criteria provided. Collection method: clinical testing. Allele origin: unknown. Not counted in ClinVar's aggregate classification.

Literature cited by the submitters: PubMed 32255556 (cited by 5 submitters); PubMed 33552952 (cited by 4 submitters).

NM_032043.3(BRIP1):c.3431A>G (p.Glu1144Gly)

Gene: BRIP1 (BRCA1 interacting DNA helicase 1; minus strand). Cytogenetic location: 17q23.2.
Variant type: single nucleotide variant.
Coding change: c.3431A>G on transcript NM_032043.3 (MANE Select); coding-DNA position 3431, A replaced by G.
Protein change: p.Glu1144Gly; replaces glutamic acid 1144 with glycine.
Molecular consequence: missense variant.
Genome position (GRCh38, 1-based): chr17:61,683,615, T>C on the plus strand (A>G on the coding strand, the complement: BRIP1 is on the minus strand). VCF-style: chr17-61683615-T-C. GRCh37 (hg19) VCF-style: chr17-59760976-T-C.
Other names: short protein forms E1144G.
Identifiers: ClinVar variation 219832 (VCV000219832.30), dbSNP rs774605759, ClinGen allele CA350798.